The following is an entry in ClinVar:

NM_198578.4(LRRK2):c.2651A>G (p.Asp884Gly)

Gene: LRRK2 (leucine rich repeat kinase 2; plus strand). Cytogenetic location: 12q12.
Variant type: single nucleotide variant.
Coding change: c.2651A>G on transcript NM_198578.4 (MANE Select); coding-DNA position 2651, A replaced by G.
Protein change: p.Asp884Gly; replaces aspartic acid 884 with glycine.
Molecular consequence: missense variant.
Genome position (GRCh38, 1-based): chr12:40,287,501, A>G. VCF-style: chr12-40287501-A-G. GRCh37 (hg19) VCF-style: chr12-40681303-A-G.
Other names: short protein forms D884G.
Identifiers: ClinVar variation 1794332 (VCV001794332.2), dbSNP rs762577495, ClinGen allele CA6513692.

ClinVar aggregate classification (germline): Uncertain significance (1 of 4 stars; one submission).

Conditions:
Inborn genetic diseases. Identifiers: MedGen C0950123, MeSH D030342.

Allele frequency attached by ClinVar (database versions not stated): gnomAD exomes below 0.00001; ExAC 0.00001.

Submission:

Ambry Genetics
Classification: Uncertain significance for Inborn genetic diseases. Last evaluated: 2024-03-17. Review status: criteria provided, single submitter. Criteria: Ambry Variant Classification Scheme 2023. Collection method: clinical testing. Allele origin: germline.
Comment: The p.D884G variant (also known as c.2651A>G), located in coding exon 20 of the LRRK2 gene, results from an A to G substitution at nucleotide position 2651. The aspartic acid at codon 884 is replaced by glycine, an amino acid with similar properties. This amino acid position is conserved. In addition, this alteration is predicted to be deleterious by in silico analysis. Since supporting evidence is limited at this time, the clinical significance of this alteration remains unclear.